The following is an entry in ClinVar:

NM_015559.3(SETBP1):c.3175C>T (p.Pro1059Ser)

Gene: SETBP1 (SET binding protein 1; plus strand). Cytogenetic location: 18q12.3.
Variant type: single nucleotide variant.
Coding change: c.3175C>T on transcript NM_015559.3 (MANE Select); coding-DNA position 3175, C replaced by T.
Protein change: p.Pro1059Ser; replaces proline 1059 with serine.
Molecular consequence: missense variant.
Genome position (GRCh38, 1-based): chr18:44,952,515, C>T. VCF-style: chr18-44952515-C-T. GRCh37 (hg19) VCF-style: chr18-42532480-C-T.
Other names: c.3175C>T, p.Pro1059Ser (NM_001379141.1, NM_001379142.1); short protein forms P1059S.
Identifiers: ClinVar variation 1366076 (VCV001366076.7), dbSNP rs1224731205, ClinGen allele CA402323745.

ClinVar aggregate classification (germline): Conflicting classifications of pathogenicity. Review status: criteria provided, conflicting classifications (1 of 4 stars). 2 submissions from 2 submitters: Uncertain significance (1); Likely benign (1). Last evaluated 2022-08-09.

Allele frequency attached by ClinVar (database versions not stated): TOPMed below 0.00001; gnomAD 0.00001.
gnomAD v4.1: 1 of 1,613,872 alleles (0.000062%); highest among the groups gnomAD compares: African/African-American, 0.0013%; no homozygotes.

Submissions (2):

Labcorp Genetics (formerly Invitae), Labcorp
Classification: Likely benign. Last evaluated: 2022-08-09. Review status: criteria provided, single submitter. Criteria: Invitae Variant Classification Sherloc (09022015). Collection method: clinical testing. Allele origin: germline.

GeneDx
Classification: Uncertain significance. Last evaluated: 2022-04-04. Review status: criteria provided, single submitter. Criteria: GeneDx Variant Classification Process June 2021. Collection method: clinical testing. Allele origin: germline. Affected: yes.
Comment: In silico analysis supports that this missense variant has a deleterious effect on protein structure/function; Has not been previously published as pathogenic or benign to our knowledge